The following is an entry in ClinVar:

NM_014712.3(SETD1A):c.1211G>A (p.Arg404His)

Gene: SETD1A (SET domain containing 1A, histone lysine methyltransferase; plus strand). Cytogenetic location: 16p11.2.
Variant type: single nucleotide variant.
Coding change: c.1211G>A on transcript NM_014712.3 (MANE Select); coding-DNA position 1211, G replaced by A.
Protein change: p.Arg404His; replaces arginine 404 with histidine.
Molecular consequence: missense variant.
Genome position (GRCh38, 1-based): chr16:30,964,953, G>A. VCF-style: chr16-30964953-G-A. GRCh37 (hg19) VCF-style: chr16-30976274-G-A.
Other names: c.1211G>A (NM_014712.1); short protein forms R404H.
Identifiers: ClinVar variation 1879340 (VCV001879340.32), dbSNP rs142429356, ClinGen allele CA8016623.

ClinVar aggregate classification (germline): Likely benign. Review status: criteria provided, multiple submitters, no conflicts (2 of 4 stars). 2 submissions from 2 submitters: Likely benign (2). Last evaluated 2026-03-01.

Conditions:
Inborn genetic diseases. Identifiers: MedGen C0950123, MeSH D030342.

Allele frequency attached by ClinVar (database versions not stated): gnomAD 0.00028; TOPMed 0.00042; ExAC 0.00045; gnomAD exomes 0.00051; ESP Exome Variant Server 0.00062.

Submissions (2):

CeGaT Center for Human Genetics Tuebingen
Classification: Likely benign. Last evaluated: 2026-03-01. Review status: criteria provided, single submitter. Criteria: CeGaT Center For Human Genetics Tuebingen Variant Classification Criteria Version 2. Collection method: clinical testing. Allele origin: germline. Affected: yes. Observed: 6 variant alleles.
Comment: SETD1A: BS1

Ambry Genetics
Classification: Likely benign for Inborn genetic diseases. Last evaluated: 2021-06-29. Review status: criteria provided, single submitter. Criteria: Ambry Variant Classification Scheme 2023. Collection method: clinical testing. Allele origin: germline.